The following is an entry in ClinVar:

NM_000170.3(GLDC):c.2201A>G (p.Gln734Arg)

Gene: GLDC (glycine decarboxylase; minus strand). Cytogenetic location: 9p24.1.
Variant type: single nucleotide variant.
Coding change: c.2201A>G on transcript NM_000170.3 (MANE Select); coding-DNA position 2201, A replaced by G.
Protein change: p.Gln734Arg; replaces glutamine 734 with arginine.
Molecular consequence: missense variant.
Genome position (GRCh38, 1-based): chr9:6,556,154, T>C on the plus strand (A>G on the coding strand, the complement: GLDC is on the minus strand). VCF-style: chr9-6556154-T-C. GRCh37 (hg19) VCF-style: chr9-6556154-T-C.
Other names: short protein forms Q734R.
Identifiers: ClinVar variation 1042773 (VCV001042773.9), dbSNP rs1817625875, ClinGen allele CA372881157.

ClinVar aggregate classification (germline): Uncertain significance (1 of 4 stars; one submission).

Conditions:
Glycine encephalopathy. Also called: Nonketotic hyperglycinemia; Non-ketotic hyperglycinemia. Identifiers: Orphanet 407, MedGen C0751748, MONDO:0011612, HP:0008288.

Submission:

Labcorp Genetics (formerly Invitae), Labcorp
Classification: Uncertain significance for Glycine encephalopathy. Last evaluated: 2022-03-23. Review status: criteria provided, single submitter. Criteria: Invitae Variant Classification Sherloc (09022015). Collection method: clinical testing. Allele origin: germline.
Comment: This variant is not present in population databases (gnomAD no frequency). This sequence change replaces glutamine, which is neutral and polar, with arginine, which is basic and polar, at codon 734 of the GLDC protein (p.Gln734Arg). In summary, the available evidence is currently insufficient to determine the role of this variant in disease. Therefore, it has been classified as a Variant of Uncertain Significance. Algorithms developed to predict the effect of sequence changes on RNA splicing suggest that this variant may disrupt the consensus splice site. Algorithms developed to predict the effect of missense changes on protein structure and function are either unavailable or do not agree on the potential impact of this missense change (SIFT: "Deleterious"; PolyPhen-2: "Probably Damaging"; Align-GVGD: "Class C0"). ClinVar contains an entry for this variant (Variation ID: 1042773). This variant has not been reported in the literature in individuals affected with GLDC-related conditions.